The following is an entry in ClinVar:

ClinVar aggregate classification (germline): Uncertain significance (1 of 4 stars; one submission).

Conditions:
Cystic fibrosis (CF). Also called: MUCOVISCIDOSIS. Identifiers: Orphanet 586, MedGen C0010674, MONDO:0009061, OMIM 219700. Disease mechanism: loss of function.

Submission:

Labcorp Genetics (formerly Invitae), Labcorp
Classification: Uncertain significance for Cystic fibrosis. Last evaluated: 2021-08-24. Review status: criteria provided, single submitter. Criteria: Invitae Variant Classification Sherloc (09022015). Collection method: clinical testing. Allele origin: germline.
Comment: This sequence change replaces leucine with proline at codon 136 of the CFTR protein (p.Leu136Pro). The leucine residue is moderately conserved and there is a moderate physicochemical difference between leucine and proline. This variant is not present in population databases (ExAC no frequency). This missense change has been observed in individuals with cystic fibrosis (PMID: 11119745, 23810505). Algorithms developed to predict the effect of missense changes on protein structure and function are either unavailable or do not agree on the potential impact of this missense change (SIFT: "Tolerated"; PolyPhen-2: "Probably Damaging"; Align-GVGD: "Class C0"). In summary, the available evidence is currently insufficient to determine the role of this variant in disease. Therefore, it has been classified as a Variant of Uncertain Significance.

Literature cited by the submitters: PubMed 11119745; PubMed 23810505.

NM_000492.4(CFTR):c.407T>C (p.Leu136Pro)

Gene: CFTR (CF transmembrane conductance regulator; plus strand). Cytogenetic location: 7q31.2.
Variant type: single nucleotide variant.
Coding change: c.407T>C on transcript NM_000492.4 (MANE Select); coding-DNA position 407, T replaced by C.
Protein change: p.Leu136Pro; replaces leucine 136 with proline.
Molecular consequence: missense variant.
Genome position (GRCh38, 1-based): chr7:117,531,032, T>C. VCF-style: chr7-117531032-T-C. GRCh37 (hg19) VCF-style: chr7-117171086-T-C.
Other names: short protein forms L136P.
Identifiers: ClinVar variation 844540 (VCV000844540.7), dbSNP rs1798854681, ClinGen allele CA368974686.